The following is an entry in ClinVar:

ClinVar aggregate classification (germline): Likely benign (1 of 4 stars; one submission).

gnomAD v4.1: 26 of 1,613,286 alleles (0.0016%); highest among the groups gnomAD compares: African/African-American, 0.0027%; no homozygotes.

Submission:

CeGaT Center for Human Genetics Tuebingen
Classification: Likely benign. Last evaluated: 2026-02-01. Review status: criteria provided, single submitter. Criteria: CeGaT Center For Human Genetics Tuebingen Variant Classification Criteria Version 2. Collection method: clinical testing. Allele origin: germline. Affected: yes. Observed: 1 variant allele.
Comment: VPS50: BP4, BP7

NM_017667.4(VPS50):c.852C>T (p.Thr284=)

Gene: VPS50 (VPS50 subunit of EARP/GARPII complex; plus strand). Cytogenetic location: 7q21.2.
Variant type: single nucleotide variant.
Coding change: c.852C>T on transcript NM_017667.4 (MANE Select); coding-DNA position 852, C replaced by T.
Protein change: p.Thr284=; no amino-acid change (threonine 284 retained).
Molecular consequence: synonymous variant.
Genome position (GRCh38, 1-based): chr7:93,276,215, C>T. VCF-style: chr7-93276215-C-T. GRCh37 (hg19) VCF-style: chr7-92905527-C-T.
Other names: c.762C>T, p.Thr254= (NM_001257998.2); c.852C>T, p.Thr284= (NM_024553.3).
Identifiers: ClinVar variation 4822315 (VCV004822315.4).